The following is an entry in ClinVar:

ClinVar aggregate classification (germline): Uncertain significance. Review status: criteria provided, multiple submitters, no conflicts (2 of 4 stars). 3 submissions from 3 submitters: Uncertain significance (3). Last evaluated 2024-11-06.

Conditions:
Leukocyte adhesion deficiency 1 (LAD1). Also called: LEUKOCYTE ADHESION DEFICIENCY, TYPE I; LAD 1; Lymphocyte function-associated antigen 1 immunodeficiency; LFA 1 immunodeficiency. Identifiers: Orphanet 2968, Orphanet 99842, MedGen C0398738, MONDO:0007293, OMIM 116920.
Inborn genetic diseases. Identifiers: MedGen C0950123, MeSH D030342.

Allele frequency attached by ClinVar (database versions not stated): TOPMed below 0.00001; gnomAD 0.00002.

Submissions (3):

Labcorp Genetics (formerly Invitae), Labcorp
Classification: Uncertain significance for Leukocyte adhesion deficiency 1. Last evaluated: 2024-11-06. Review status: criteria provided, single submitter. Criteria: Invitae Variant Classification Sherloc (09022015). Collection method: clinical testing. Allele origin: germline.
Comment: This sequence change replaces arginine, which is basic and polar, with cysteine, which is neutral and slightly polar, at codon 253 of the ITGB2 protein (p.Arg253Cys). This variant is present in population databases (rs772607011, gnomAD 0.01%). This variant has not been reported in the literature in individuals affected with ITGB2-related conditions. ClinVar contains an entry for this variant (Variation ID: 2060569). Invitae Evidence Modeling of protein sequence and biophysical properties (such as structural, functional, and spatial information, amino acid conservation, physicochemical variation, residue mobility, and thermodynamic stability) has been performed for this missense variant. However, the output from this modeling did not meet the statistical confidence thresholds required to predict the impact of this variant on ITGB2 protein function. In summary, the available evidence is currently insufficient to determine the role of this variant in disease. Therefore, it has been classified as a Variant of Uncertain Significance.

Blueprint Genetics
Classification: Uncertain significance. Last evaluated: 2024-07-11. Review status: criteria provided, single submitter. Criteria: ACMG Guidelines, 2015. Collection method: clinical testing. Allele origin: germline.

Ambry Genetics
Classification: Uncertain significance for Inborn genetic diseases. Last evaluated: 2023-06-06. Review status: criteria provided, single submitter. Criteria: Ambry Variant Classification Scheme 2023. Collection method: clinical testing. Allele origin: germline.

NM_000211.5(ITGB2):c.757C>T (p.Arg253Cys)

Gene: ITGB2 (integrin subunit beta 2; minus strand). Cytogenetic location: 21q22.3.
Variant type: single nucleotide variant.
Coding change: c.757C>T on transcript NM_000211.5 (MANE Select); coding-DNA position 757, C replaced by T.
Protein change: p.Arg253Cys; replaces arginine 253 with cysteine.
Molecular consequence: missense variant.
Genome position (GRCh38, 1-based): chr21:44,900,460, G>A on the plus strand (C>T on the coding strand, the complement: ITGB2 is on the minus strand). VCF-style: chr21-44900460-G-A. GRCh37 (hg19) VCF-style: chr21-46320375-G-A.
Other names: c.757C>T, p.Arg253Cys (NM_001127491.3); c.550C>T, p.Arg184Cys (NM_001303238.2); short protein forms R253C, R184C.
Identifiers: ClinVar variation 2060569 (VCV002060569.7), dbSNP rs772607011, ClinGen allele CA10063075.